The following is an entry in ClinVar:

ClinVar aggregate classification (germline): Uncertain significance (1 of 4 stars; one submission).

Conditions:
Charcot-Marie-Tooth disease axonal type 2Z. Also called: CHARCOT-MARIE-TOOTH DISEASE, AXONAL, AUTOSOMAL DOMINANT, TYPE 2Z; CHARCOT-MARIE-TOOTH NEUROPATHY, TYPE 2Z. Identifiers: Orphanet 466768, MedGen C5569025, MONDO:0014736, OMIM 616688.

Submission:

Labcorp Genetics (formerly Invitae), Labcorp
Classification: Uncertain significance for Charcot-Marie-Tooth disease axonal type 2Z. Last evaluated: 2021-12-04. Review status: criteria provided, single submitter. Criteria: Invitae Variant Classification Sherloc (09022015). Collection method: clinical testing. Allele origin: germline.
Comment: In summary, the available evidence is currently insufficient to determine the role of this variant in disease. Therefore, it has been classified as a Variant of Uncertain Significance. This variant has not been reported in the literature in individuals affected with MORC2-related conditions. This variant is not present in population databases (gnomAD no frequency). This sequence change creates a premature translational stop signal (p.Gln866*) in the MORC2 gene. It is expected to result in an absent or disrupted protein product. However, the current clinical and genetic evidence is not sufficient to establish whether loss-of-function variants in MORC2 cause disease.

NM_001303256.3(MORC2):c.2596C>T (p.Gln866Ter)

Gene: MORC2 (MORC family CW-type zinc finger 2; minus strand). Cytogenetic location: 22q12.2.
Variant type: single nucleotide variant.
Coding change: c.2596C>T on transcript NM_001303256.3 (MANE Select); coding-DNA position 2596, C replaced by T.
Protein change: p.Gln866Ter; replaces glutamine 866 with a stop codon.
Molecular consequence: nonsense.
Genome position (GRCh38, 1-based): chr22:30,932,696, G>A on the plus strand (C>T on the coding strand, the complement: MORC2 is on the minus strand). VCF-style: chr22-30932696-G-A. GRCh37 (hg19) VCF-style: chr22-31328683-G-A.
Other names: c.2596C>T, p.Gln866Ter (NM_001303257.2); c.2410C>T, p.Gln804Ter (NM_014941.3); short protein forms Q804*, Q866*.
Identifiers: ClinVar variation 2023226 (VCV002023226.4), dbSNP rs2517569938, ClinGen allele CA411231993.